The following is an entry in ClinVar:

ClinVar aggregate classification (germline): Uncertain significance. Review status: criteria provided, multiple submitters, no conflicts (2 of 4 stars). 2 submissions from 2 submitters: Uncertain significance (2). Last evaluated 2023-08-30.

Conditions:
Inborn genetic diseases. Identifiers: MedGen C0950123, MeSH D030342.
Chédiak-Higashi syndrome (CHS). Also called: Chediak-Higashi Syndrome. Identifiers: Orphanet 167, MedGen C0007965, MONDO:0008963, OMIM 214500.

Allele frequency attached by ClinVar (database versions not stated): TOPMed below 0.00001.

Submissions (2):

Labcorp Genetics (formerly Invitae), Labcorp
Classification: Uncertain significance for Chédiak-Higashi syndrome. Last evaluated: 2023-08-30. Review status: criteria provided, single submitter. Criteria: Invitae Variant Classification Sherloc (09022015). Collection method: clinical testing. Allele origin: germline.
Comment: ClinVar contains an entry for this variant (Variation ID: 1465668). This variant has not been reported in the literature in individuals affected with LYST-related conditions. Advanced modeling of protein sequence and biophysical properties (such as structural, functional, and spatial information, amino acid conservation, physicochemical variation, residue mobility, and thermodynamic stability) performed at Invitae indicates that this missense variant is not expected to disrupt LYST protein function. In summary, the available evidence is currently insufficient to determine the role of this variant in disease. Therefore, it has been classified as a Variant of Uncertain Significance. This variant is not present in population databases (gnomAD no frequency). This sequence change replaces glutamine, which is neutral and polar, with arginine, which is basic and polar, at codon 655 of the LYST protein (p.Gln655Arg).

Ambry Genetics
Classification: Uncertain significance for Inborn genetic diseases. Last evaluated: 2022-02-02. Review status: criteria provided, single submitter. Criteria: Ambry Variant Classification Scheme 2023. Collection method: clinical testing. Allele origin: germline.

NM_000081.4(LYST):c.1964A>G (p.Gln655Arg)

Gene: LYST (lysosomal trafficking regulator; minus strand). Cytogenetic location: 1q42.3.
Variant type: single nucleotide variant.
Coding change: c.1964A>G on transcript NM_000081.4 (MANE Select); coding-DNA position 1964, A replaced by G.
Protein change: p.Gln655Arg; replaces glutamine 655 with arginine.
Molecular consequence: missense variant.
Genome position (GRCh38, 1-based): chr1:235,808,854, T>C on the plus strand (A>G on the coding strand, the complement: LYST is on the minus strand). VCF-style: chr1-235808854-T-C. GRCh37 (hg19) VCF-style: chr1-235972154-T-C.
Other names: c.1964A>G, p.Gln655Arg (NM_001301365.1); c.1964A>G (NM_000081.2); short protein forms Q655R.
Identifiers: ClinVar variation 1465668 (VCV001465668.9), dbSNP rs751561627, ClinGen allele CA344961256.